The following is an entry in ClinVar:

NM_170665.4(ATP2A2):c.2039C>T (p.Pro680Leu)

Genes: ATP2A2 (ATPase sarcoplasmic/endoplasmic reticulum Ca2+ transporting 2; plus strand), LOC126861637 (MED14-independent group 3 enhancer GRCh37_chr12:110778306-110779505; plus strand). Cytogenetic location: 12q24.11.
Variant type: single nucleotide variant.
Coding change: c.2039C>T on transcript NM_170665.4 (MANE Select); coding-DNA position 2039, C replaced by T.
Protein change: p.Pro680Leu; replaces proline 680 with leucine.
Molecular consequence: missense variant.
Genome position (GRCh38, 1-based): chr12:110,340,936, C>T. VCF-style: chr12-110340936-C-T. GRCh37 (hg19) VCF-style: chr12-110778741-C-T.
Other names: c.2039C>T, p.Pro680Leu (NM_001681.4); short protein forms P680L.
Identifiers: ClinVar variation 1190253 (VCV001190253.3), dbSNP rs2137856827, ClinGen allele CA386675246.
Genomic context (GRCh38, chr12:110,340,936, plus strand): 5'-TCAACCCCTCCGCCCAGCGAGACGCCTGCCTGAACGCCCGCTGTTTTGCTCGAGTTGAAC[C>T]CTCCCACAAGTCTAAAATCGTAGAATTTCTTCAGTCTTTTGATGAGATTACAGCTATGGT-3'
Protein context (NP_733765.1, residues 670-690): LNARCFARVE[Pro680Leu]SHKSKIVEFL

ClinVar aggregate classification (germline): Pathogenic. Review status: criteria provided, multiple submitters, no conflicts (2 of 4 stars). 2 submissions from 2 submitters: Pathogenic (2). Last evaluated 2024-07-12.

Conditions:
Keratosis follicularis (DAR). Also called: Darier disease; Darier's disease. Identifiers: Orphanet 218, MedGen C0022595, MONDO:0007417, OMIM 124200.

Submissions (2):

Clinical Genomics Laboratory, Washington University in St. Louis
Classification: Pathogenic for Keratosis follicularis. Last evaluated: 2024-07-12. Review status: criteria provided, single submitter. Criteria: Leon-Quintero et al. (Clin Genet. 2025). Collection method: clinical testing. Allele origin: somatic. Affected: yes.
Comment: An ATP2A2 c.2039C>T (p.Pro680Leu) variant was identified at an allelic fraction consistent with somatic origin. This variant has been reported as germline in multiple individuals affected with Darier disease (Li M et al., PMID: 29142187; Miyauchi Y et al., PMID: 16766529; Chao S et al., PMID: 12072062; Ikeda Set al., PMID: 12925202). This variant has been reported in the ClinVar database as a pathogenic germline variant by one submitter (ClinVar ID: 1190253). The ATP2A2 c.2039C>T (p.Pro680Leu) variant is absent from the general population database (gnomAD v4.1.0), indicating it is not a common variant. This variant resides within a highly conserved region of the hinge domain of ATP2A2 that is implicated in the binding and transfer of phosphate to the protein and in the transport-associated conformational changes of the phosphorylation site (Vilsen B et al., PMID: 1831454). Computational predictors indicate that the variant is damaging, evidence that correlates with impact on ATP2A2 function. In support of this prediction, functional studies show that the ATP2A2 c.2039C>T (p.Pro680Leu) variant reduced SERCA2 enzyme activity and impaired calcium transport into the endoplasmic reticulum in cell lines, indicating that this variant impacts protein function (Miyauchi Y et al., PMID: 16766529). Based on available information and an internally developed protocol informed by the ACMG/AMP guidelines for variant interpretation (Leon-Quintero FZ et al., PMID: 39434542), the ATP2A2 c.2039C>T (p.Pro680Leu) variant is classified as pathogenic.

GeneDx
Classification: Pathogenic. Last evaluated: 2018-10-26. Review status: criteria provided, single submitter. Criteria: GeneDx Variant Classification Process June 2021. Collection method: clinical testing. Allele origin: germline. Affected: yes.
Comment: Not observed in large population cohorts (Lek et al., 2016); In silico analysis supports that this missense variant has a deleterious effect on protein structure/function; This variant is associated with the following publications: (PMID: 12072062, 29142187, 16766529)